The following is an entry in ClinVar:

ClinVar aggregate classification (germline): Uncertain significance (1 of 4 stars; one submission).

Conditions:
Norman-Roberts syndrome (LIS2). Also called: Lissencephaly 2 (Norman-Roberts type). Identifiers: Orphanet 89844, MedGen C0796089, MONDO:0009760, OMIM 257320.
Familial temporal lobe epilepsy 7. Identifiers: Orphanet 101046, MedGen C4225327, MONDO:0014639, OMIM 616436.

gnomAD v4.1: 1 of 1,614,078 alleles (0.000062%); highest among the groups gnomAD compares: Non-Finnish European, 0.000085%; no homozygotes.

Submission:

Labcorp Genetics (formerly Invitae), Labcorp
Classification: Uncertain significance for Familial temporal lobe epilepsy 7; Norman-Roberts syndrome. Last evaluated: 2024-10-24. Review status: criteria provided, single submitter. Criteria: Invitae Variant Classification Sherloc (09022015). Collection method: clinical testing. Allele origin: germline.
Comment: This sequence change replaces isoleucine, which is neutral and non-polar, with threonine, which is neutral and polar, at codon 711 of the RELN protein (p.Ile711Thr). This variant is not present in population databases (gnomAD no frequency). This variant has not been reported in the literature in individuals affected with RELN-related conditions. Invitae Evidence Modeling of protein sequence and biophysical properties (such as structural, functional, and spatial information, amino acid conservation, physicochemical variation, residue mobility, and thermodynamic stability) indicates that this missense variant is not expected to disrupt RELN protein function with a negative predictive value of 80%. In summary, the available evidence is currently insufficient to determine the role of this variant in disease. Therefore, it has been classified as a Variant of Uncertain Significance.

NM_005045.4(RELN):c.2132T>C (p.Ile711Thr)

Gene: RELN (reelin; minus strand). Cytogenetic location: 7q22.1.
Variant type: single nucleotide variant.
Coding change: c.2132T>C on transcript NM_005045.4 (MANE Select); coding-DNA position 2132, T replaced by C.
Protein change: p.Ile711Thr; replaces isoleucine 711 with threonine.
Molecular consequence: missense variant.
Genome position (GRCh38, 1-based): chr7:103,636,406, A>G on the plus strand (T>C on the coding strand, the complement: RELN is on the minus strand). VCF-style: chr7-103636406-A-G. GRCh37 (hg19) VCF-style: chr7-103276853-A-G.
Other names: c.2132T>C, p.Ile711Thr (NM_173054.3); short protein forms I711T.
Identifiers: ClinVar variation 3749501 (VCV003749501.2).
Genomic context (GRCh38, chr7:103,636,406, plus strand): 5'-CCACGGATAGAGTAAAAGTTATGGTAAGAGGAGAGCCTGGAACTGCCAAAGCTTTCAGAA[A>G]TAAACATTGGGAATGTCTGGGATGCCATCTCACAAGCTGGGCCAGAAAATCCAGGGTCAC-3'
Protein context (NP_005036.2, residues 701-721): EMASQTFPMF[Ile711Thr]SESFGSSRLS